The following is an entry in ClinVar:

ClinVar aggregate classification (germline): Uncertain significance (1 of 4 stars; one submission).

Conditions:
Methylmalonic aciduria due to methylmalonyl-CoA mutase deficiency (MAMM). Also called: Methylmalonic aciduria, mut type. Identifiers: Orphanet 27, MedGen C1855114, MONDO:0009612, OMIM 251000.

gnomAD v4.1: 6 of 1,611,028 alleles (0.00037%); highest among the groups gnomAD compares: South Asian, 0.0066%; no homozygotes.

Submission:

Neuberg Centre For Genomic Medicine, NCGM
Classification: Uncertain significance for Methylmalonic aciduria due to methylmalonyl-CoA mutase deficiency. Review status: criteria provided, single submitter. Criteria: ACMG Guidelines, 2015. Collection method: clinical testing. Allele origin: germline. Affected: yes.
Comment: The observed splice region variant c.1676+3G>T in the MMUT gene has not been reported previously as a pathogenic variant nor as a benign variant, to our knowledge. This variant is reported with the allele frequency 0.0004% in the gnomAD Exomes. This splice region variant in intron 9 affects the position five nucleotides downstream of exon 9. The variant is predicted to be benign by SpliceAI prediction tool. For these reasons, this variant has been classified as Uncertain Significance (VUS). In the absence of another reportable variant, the molecular diagnosis is not confirmed.

NM_000255.4(MMUT):c.1676+3G>T

Gene: MMUT (methylmalonyl-CoA mutase; minus strand). Cytogenetic location: 6p12.3.
Variant type: single nucleotide variant.
Coding change: c.1676+3G>T on transcript NM_000255.4 (MANE Select); 3 bases into the intron after coding-DNA position 1676, G replaced by T.
Molecular consequence: intron variant.
Genome position (GRCh38, 1-based): chr6:49,444,636, C>A on the plus strand (G>T on the coding strand, the complement: MMUT is on the minus strand). VCF-style: chr6-49444636-C-A. GRCh37 (hg19) VCF-style: chr6-49412349-C-A.
Identifiers: ClinVar variation 3731454 (VCV003731454.1).
Genomic context (GRCh38, chr6:49,444,636, plus strand): 5'-CTCTGAAAAGCTAAACTGGTCAACTTTTAGTCTTTGGAAACCTCCAAACTTATATATCTT[C>A]ACCTTGCCCGAGATGCATCCACTGCAAGAGCCAGGATATTTCCATCTCCGCTAGCAGCAC-3'